The following is an entry in ClinVar:

ClinVar aggregate classification (germline): Likely benign. Review status: criteria provided, multiple submitters, no conflicts (2 of 4 stars). 2 submissions from 2 submitters: Likely benign (2). Last evaluated 2025-12-19.

Conditions:
Achondrogenesis, type IA (ACG1A). Identifiers: Orphanet 932, Orphanet 93299, MedGen C0265273, MONDO:0008701, OMIM 200600.

Allele frequency attached by ClinVar (database versions not stated): ExAC 0.00003; gnomAD exomes 0.00003; TOPMed 0.00003; gnomAD 0.00004.
gnomAD v4.1: 50 of 1,613,260 alleles (0.0031%); highest among the groups gnomAD compares: Non-Finnish European, 0.0042%; no homozygotes.

Submissions (2):

Labcorp Genetics (formerly Invitae), Labcorp
Classification: Likely benign for Achondrogenesis, type IA. Last evaluated: 2025-12-19. Review status: criteria provided, single submitter. Criteria: Invitae Variant Classification Sherloc (09022015). Collection method: clinical testing. Allele origin: germline.

CeGaT Center for Human Genetics Tuebingen
Classification: Likely benign. Last evaluated: 2024-10-01. Review status: criteria provided, single submitter. Criteria: CeGaT Center For Human Genetics Tuebingen Variant Classification Criteria Version 2. Collection method: clinical testing. Allele origin: germline. Affected: yes. Observed: 1 variant allele.
Comment: TRIP11: BP4, BP7

NM_004239.4(TRIP11):c.5637A>G (p.Pro1879=)

Gene: TRIP11 (thyroid hormone receptor interactor 11; minus strand). Cytogenetic location: 14q32.12.
Variant type: single nucleotide variant.
Coding change: c.5637A>G on transcript NM_004239.4 (MANE Select); coding-DNA position 5637, A replaced by G.
Protein change: p.Pro1879=; no amino-acid change (proline 1879 retained).
Molecular consequence: synonymous variant.
Genome position (GRCh38, 1-based): chr14:91,972,799, T>C on the plus strand (A>G on the coding strand, the complement: TRIP11 is on the minus strand). VCF-style: chr14-91972799-T-C. GRCh37 (hg19) VCF-style: chr14-92439143-T-C.
Other names: c.5634A>G, p.Pro1878= (NM_001321851.1).
Identifiers: ClinVar variation 1602541 (VCV001602541.19), dbSNP rs772959811, ClinGen allele CA7313091.